The following is an entry in ClinVar:

NM_198253.3(TERT):c.370C>G (p.Pro124Ala)

Gene: TERT (telomerase reverse transcriptase; minus strand). Cytogenetic location: 5p15.33.
Variant type: single nucleotide variant.
Coding change: c.370C>G on transcript NM_198253.3 (MANE Select); coding-DNA position 370, C replaced by G.
Protein change: p.Pro124Ala; replaces proline 124 with alanine.
Molecular consequence: missense variant. On other transcripts: non-coding transcript variant (2).
Genome position (GRCh38, 1-based): chr5:1,294,516, G>C on the plus strand (C>G on the coding strand, the complement: TERT is on the minus strand). VCF-style: chr5-1294516-G-C. GRCh37 (hg19) VCF-style: chr5-1294631-G-C.
Other names: c.370C>G, p.Pro124Ala (NM_001193376.3); short protein forms P124A.
Identifiers: ClinVar variation 1390340 (VCV001390340.6), dbSNP rs2126690168, ClinGen allele CA359058170.

ClinVar aggregate classification (germline): Uncertain significance (1 of 4 stars; one submission).

Conditions:
Dyskeratosis congenita, autosomal dominant 2. Identifiers: MedGen C3151443, MONDO:0013521, OMIM 613989.
Idiopathic Pulmonary Fibrosis. Also called: Idiopathic fibrosing alveolitis, chronic form; idiopathic fibrosing alveolitis. Identifiers: Orphanet 2032, MedGen C1800706, MeSH D054990, MONDO:0800504.

Submission:

Labcorp Genetics (formerly Invitae), Labcorp
Classification: Uncertain significance for Dyskeratosis congenita, autosomal dominant 2; Idiopathic Pulmonary Fibrosis. Last evaluated: 2024-06-13. Review status: criteria provided, single submitter. Criteria: Invitae Variant Classification Sherloc (09022015). Collection method: clinical testing. Allele origin: germline.
Comment: This sequence change replaces proline, which is neutral and non-polar, with alanine, which is neutral and non-polar, at codon 124 of the TERT protein (p.Pro124Ala). This variant is not present in population databases (gnomAD no frequency). This variant has not been reported in the literature in individuals affected with TERT-related conditions. ClinVar contains an entry for this variant (Variation ID: 1390340). Advanced modeling of protein sequence and biophysical properties (such as structural, functional, and spatial information, amino acid conservation, physicochemical variation, residue mobility, and thermodynamic stability) performed at Invitae indicates that this missense variant is expected to disrupt TERT protein function with a positive predictive value of 95%. In summary, the available evidence is currently insufficient to determine the role of this variant in disease. Therefore, it has been classified as a Variant of Uncertain Significance.